The following is an entry in ClinVar:

ClinVar aggregate classification (germline): Pathogenic. Review status: criteria provided, multiple submitters, no conflicts (2 of 4 stars). 6 submissions from 6 submitters: Pathogenic (5). 1 of the submissions does not count toward it. Last evaluated 2023-10-01.

Conditions:
MERTK-related disorder. Also called: MERTK-related condition.
Retinal dystrophy. Also called: Inherited retinal dystrophy. Identifiers: Orphanet 71862, MedGen C0854723, MeSH D058499, MONDO:0019118, HP:0000556.
Retinitis pigmentosa (RP). Identifiers: Orphanet 791, MedGen C0035334, MeSH D012174, MONDO:0019200, OMIM 268000. Inheritance: Autosomal dominant, autosomal recessive and X linked inheritance.
Retinitis pigmentosa 38 (RP38). Also called: ROD-CONE DYSTROPHY, CHILDHOOD-ONSET. Identifiers: Orphanet 791, MedGen C3151228, MONDO:0013469, OMIM 613862.

Allele frequency attached by ClinVar (database versions not stated): gnomAD 0.00001 and 0.00002; gnomAD exomes 0.00001 and 0.00002; TOPMed 0.00002.

Submissions (6):

Dept Of Ophthalmology, Nagoya University
Classification: Pathogenic for Retinal dystrophy. Last evaluated: 2023-10-01. Review status: criteria provided, single submitter. Criteria: Submitter's publication. Collection method: research. Allele origin: germline. Affected: yes.

Labcorp Genetics (formerly Invitae), Labcorp
Classification: Pathogenic. Last evaluated: 2022-07-16. Review status: criteria provided, single submitter. Criteria: Invitae Variant Classification Sherloc (09022015). Collection method: clinical testing. Allele origin: germline.
Comment: This sequence change creates a premature translational stop signal (p.Gly76Glufs*3) in the MERTK gene. It is expected to result in an absent or disrupted protein product. Loss-of-function variants in MERTK are known to be pathogenic (PMID: 24265693, 29659094). This variant is present in population databases (rs527236083, gnomAD 0.006%). This premature translational stop signal has been observed in individual(s) with retinitis pigmentosa (PMID: 25324289, 31054281). ClinVar contains an entry for this variant (Variation ID: 143139). For these reasons, this variant has been classified as Pathogenic.

GeneDx
Classification: Pathogenic. Last evaluated: 2022-02-22. Review status: criteria provided, single submitter. Criteria: GeneDx Variant Classification Process June 2021. Collection method: clinical testing. Allele origin: germline. Affected: yes.
Comment: Frameshift variant predicted to result in protein truncation or nonsense mediated decay in a gene for which loss-of-function is a known mechanism of disease.; This variant is associated with the following publications: (PMID: 31054281, 33090715, 32100970, 25324289)

Blueprint Genetics
Classification: Pathogenic for MERTK-related disorders. Last evaluated: 2021-11-09. Review status: criteria provided, single submitter. Criteria: ACMG Guidelines, 2015. Collection method: clinical testing. Allele origin: germline. Affected: yes. Observed: 3 variant alleles.

Juno Genomics, Hangzhou Juno Genomics, Inc
Classification: Pathogenic for Retinitis pigmentosa 38. Review status: criteria provided, single submitter. Criteria: ACMG Guidelines, 2015. Collection method: clinical testing. Allele origin: germline. Affected: yes.
Comment: Absent from controls (or at extremely low frequency if recessive) in Genome Aggregation Database, Exome Sequencing Project, 1000 Genomes Project, or Exome Aggregation Consortium.;Null variant in a gene where loss of function (LOF) is a known mechanism of disease.;For recessive disorders, detected in trans with a pathogenic variant.;Patient's phenotype or family history is highly specific for a disease with a single genetic etiology.

Department of Ophthalmology and Visual Sciences Kyoto University
Classification: Likely pathogenic for Retinitis pigmentosa. Review status: no assertion criteria provided. Collection method: not provided. Allele origin: unknown. Not counted in ClinVar's aggregate classification.
ClinVar note: Converted during submission from probable-pathogenic to Likely pathogenic.

Literature cited by the submitters: PubMed 24265693 (cited by Labcorp Genetics (formerly Invitae), Labcorp); PubMed 29659094 (cited by Labcorp Genetics (formerly Invitae), Labcorp); PubMed 25324289 (cited by Labcorp Genetics (formerly Invitae), Labcorp); PubMed 31054281 (cited by Labcorp Genetics (formerly Invitae), Labcorp).

NM_006343.3(MERTK):c.225del (p.Gly76fs)

Gene: MERTK (MER proto-oncogene, tyrosine kinase; plus strand). Cytogenetic location: 2q13.
Variant type: Deletion.
Coding change: c.225del on transcript NM_006343.3 (MANE Select); coding-DNA position 225, one base deleted (A; older notation c.225delA).
Protein change: p.Gly76fs; shifts the reading frame from glycine 76.
Molecular consequence: frameshift variant.
Genome position (GRCh38, 1-based): chr2:111,929,283, A deleted. VCF-style (leftmost placement, unchanged base first): chr2-111929282-CA-C. GRCh37 (hg19) VCF-style: chr2-112686859-CA-C.
Other names: c.225delA (NM_006343.2, NM_006343.3); short protein forms G76fs.
Identifiers: ClinVar variation 143139 (VCV000143139.13), dbSNP rs527236083, ClinGen allele CA270100.